The following is an entry in ClinVar:

NM_206965.2(FTCD):c.1539+4_1539+11del

Gene: FTCD (formimidoyltransferase cyclodeaminase; minus strand). Cytogenetic location: 21q22.3.
Variant type: Deletion.
Coding change: c.1539+4_1539+11del on transcript NM_206965.2 (MANE Select); bases 4 to 11 of the intron after coding-DNA position 1539, 8 bases deleted (AGCAGGAG; older notation c.1539+4_1539+11delAGCAGGAG).
Molecular consequence: intron variant.
Genome position (GRCh38, 1-based): chr21:46,137,228-46,137,235, CTCCTGCT deleted on the plus strand (AGCAGGAG on the coding strand, the reverse complement: FTCD is on the minus strand); deleting any 8 consecutive bases within chr21:46,137,228-46,137,236 gives the same sequence; the c. name uses the placement nearest the transcript's 3' end. VCF-style (leftmost placement, unchanged base first): chr21-46137227-CCTCCTGCT-C. GRCh37 (hg19) VCF-style: chr21-47557141-CCTCCTGCT-C.
Other names: c.1539+4_1539+11del (NM_001320412.2, NM_006657.3).
Identifiers: ClinVar variation 842677 (VCV000842677.5), dbSNP rs755855475, ClinGen allele CA10073365.

ClinVar aggregate classification (germline): Uncertain significance (1 of 4 stars; one submission).

Conditions:
Glutamate formiminotransferase deficiency. Also called: Formiminoglutamic aciduria; Arakawa syndrome 1. Identifiers: Orphanet 51208, MedGen C0268609, MONDO:0009240, OMIM 229100.

Submission:

Labcorp Genetics (formerly Invitae), Labcorp
Classification: Uncertain significance for Glutamate formiminotransferase deficiency. Last evaluated: 2022-11-08. Review status: criteria provided, single submitter. Criteria: Invitae Variant Classification Sherloc (09022015). Collection method: clinical testing. Allele origin: germline.
Comment: In summary, the available evidence is currently insufficient to determine the role of this variant in disease. Therefore, it has been classified as a Variant of Uncertain Significance. Variants that disrupt the consensus splice site are a relatively common cause of aberrant splicing (PMID: 17576681, 9536098). Algorithms developed to predict the effect of sequence changes on RNA splicing suggest that this variant may disrupt the consensus splice site. ClinVar contains an entry for this variant (Variation ID: 842677). This variant has not been reported in the literature in individuals affected with FTCD-related conditions. This variant is present in population databases (rs755855475, gnomAD 0.01%). This sequence change falls in intron 13 of the FTCD gene. It does not directly change the encoded amino acid sequence of the FTCD protein. It affects a nucleotide within the consensus splice site.

Literature cited by the submitters: PubMed 17576681; PubMed 9536098.